The following is an entry in ClinVar:

ClinVar aggregate classification (germline): Conflicting classifications of pathogenicity. Review status: criteria provided, conflicting classifications (1 of 4 stars). 3 submissions from 3 submitters: Uncertain significance (1); Likely benign (2). Last evaluated 2025-08-07.

Conditions:
Hereditary breast ovarian cancer syndrome. Also called: Hereditary breast and ovarian cancer syndrome (HBOC); Hereditary breast and ovarian cancer syndrome; Breast and ovarian cancer; BRCA1- and BRCA2-Associated Hereditary Breast and Ovarian Cancer; Hereditary breast and ovarian cancer; Hereditary breast and/or ovarian cancer syndrome. Identifiers: Orphanet 145, MedGen C0677776, MeSH D061325, MONDO:0003582. Disease mechanism: loss of function.
Hereditary cancer-predisposing syndrome. Also called: Neoplastic Syndromes, Hereditary; Hereditary Cancer Syndrome; Hereditary neoplastic syndrome; Tumor predisposition. Identifiers: Orphanet 140162, MedGen C0027672, MeSH D009386, MONDO:0015356.

Submissions (3):

Labcorp Genetics (formerly Invitae), Labcorp
Classification: Uncertain significance for Hereditary breast ovarian cancer syndrome. Last evaluated: 2025-08-07. Review status: criteria provided, single submitter. Criteria: Invitae Variant Classification Sherloc (09022015). Collection method: clinical testing. Allele origin: germline.
Comment: This sequence change affects codon 86 of the BRCA2 mRNA. It is a 'silent' change, meaning that it does not change the encoded amino acid sequence of the BRCA2 protein. This variant is not present in population databases (gnomAD no frequency). This variant has not been reported in the literature in individuals affected with BRCA2-related conditions. ClinVar contains an entry for this variant (Variation ID: 479344). Algorithms developed to predict the effect of sequence changes on RNA splicing suggest that this variant is not likely to affect RNA splicing. In summary, the available evidence is currently insufficient to determine the role of this variant in disease. Therefore, it has been classified as a Variant of Uncertain Significance.

Quest Diagnostics Nichols Institute San Juan Capistrano
Classification: Likely benign. Last evaluated: 2021-06-19. Review status: criteria provided, single submitter. Criteria: Quest Diagnostics criteria. Collection method: clinical testing. Allele origin: unknown.

Ambry Genetics
Classification: Likely benign for Hereditary cancer-predisposing syndrome. Last evaluated: 2016-08-15. Review status: criteria provided, single submitter. Criteria: Ambry Variant Classification Scheme 2023. Collection method: clinical testing. Allele origin: germline.

Literature cited by the submitters: PubMed 32641407 (cited by Quest Diagnostics Nichols Institute San Juan Capistrano).

NM_000059.4(BRCA2):c.256C>T (p.Leu86=)

Gene: BRCA2 (BRCA2 DNA repair associated; plus strand). Cytogenetic location: 13q13.1.
Variant type: single nucleotide variant.
Coding change: c.256C>T on transcript NM_000059.4 (MANE Select); coding-DNA position 256, C replaced by T.
Protein change: p.Leu86=; no amino-acid change (leucine 86 retained).
Molecular consequence: synonymous variant.
Genome position (GRCh38, 1-based): chr13:32,319,265, C>T. VCF-style: chr13-32319265-C-T. GRCh37 (hg19) VCF-style: chr13-32893402-C-T.
Identifiers: ClinVar variation 479344 (VCV000479344.11), dbSNP rs1555280404, ClinGen allele CA483436136.